The following is an entry in ClinVar:

ClinVar aggregate classification (germline): Uncertain significance. Review status: criteria provided, multiple submitters, no conflicts (2 of 4 stars). 3 submissions from 3 submitters: Uncertain significance (3). Last evaluated 2025-05-04.

Conditions:
Inborn genetic diseases. Identifiers: MedGen C0950123, MeSH D030342.
Sucrase-isomaltase deficiency (CSID). Also called: Deficiency of isomaltase; SI DEFICIENCY; Congenital sucrose isomaltose malabsorption; Sucrose isomaltose enzyme deficiency. Identifiers: Orphanet 35122, MedGen C1283620, MONDO:0009114, OMIM 222900.

Allele frequency attached by ClinVar (database versions not stated): gnomAD 0.00001; gnomAD exomes 0.00001 and 0.00002; ExAC 0.00002; 1000 Genomes Project 30x 0.00016; 1000 Genomes Project 0.00020.

Submissions (3):

Ambry Genetics
Classification: Uncertain significance for Inborn genetic diseases. Last evaluated: 2025-05-04. Review status: criteria provided, single submitter. Criteria: Ambry Variant Classification Scheme 2023. Collection method: clinical testing. Allele origin: germline.

Labcorp Genetics (formerly Invitae), Labcorp
Classification: Uncertain significance. Last evaluated: 2023-01-17. Review status: criteria provided, single submitter. Criteria: Invitae Variant Classification Sherloc (09022015). Collection method: clinical testing. Allele origin: germline.
Comment: This sequence change replaces leucine, which is neutral and non-polar, with isoleucine, which is neutral and non-polar, at codon 353 of the SI protein (p.Leu353Ile). In summary, the available evidence is currently insufficient to determine the role of this variant in disease. Therefore, it has been classified as a Variant of Uncertain Significance. Advanced modeling of protein sequence and biophysical properties (such as structural, functional, and spatial information, amino acid conservation, physicochemical variation, residue mobility, and thermodynamic stability) has been performed at Invitae for this missense variant, however the output from this modeling did not meet the statistical confidence thresholds required to predict the impact of this variant on SI protein function. ClinVar contains an entry for this variant (Variation ID: 1391324). This variant has not been reported in the literature in individuals affected with SI-related conditions. This variant is present in population databases (rs539049352, gnomAD 0.002%).

Fulgent Genetics
Classification: Uncertain significance for Sucrase-isomaltase deficiency. Last evaluated: 2021-07-07. Review status: criteria provided, single submitter. Criteria: ACMG Guidelines, 2015. Collection method: clinical testing. Allele origin: unknown.

NM_001041.4(SI):c.1057C>A (p.Leu353Ile)

Gene: SI (sucrase-isomaltase; minus strand). Cytogenetic location: 3q26.1.
Variant type: single nucleotide variant.
Coding change: c.1057C>A on transcript NM_001041.4 (MANE Select); coding-DNA position 1057, C replaced by A.
Protein change: p.Leu353Ile; replaces leucine 353 with isoleucine.
Molecular consequence: missense variant.
Genome position (GRCh38, 1-based): chr3:165,059,991, G>T on the plus strand (C>A on the coding strand, the complement: SI is on the minus strand). VCF-style: chr3-165059991-G-T. GRCh37 (hg19) VCF-style: chr3-164777779-G-T.
Other names: short protein forms L353I.
Identifiers: ClinVar variation 1391324 (VCV001391324.8), dbSNP rs539049352, ClinGen allele CA2691196.
Genomic context (GRCh38, chr3:165,059,991, plus strand): 5'-TTACCACTTCTTTCACTACATCTAGTGACTTATAATTCCAGCGACTTAGTTGGAATCCAA[G>T]ATTCCAATATGCTGGCATTGCTGGTAGTCCAACAAGCTTAAAGTAAATGAGCATGTAATT-3'
Protein context (NP_001032.2, residues 343-363): GLPAMPAYWN[Leu353Ile]GFQLSRWNYK